The following is an entry in ClinVar:

ClinVar aggregate classification (germline): Uncertain significance (1 of 4 stars; one submission).

Conditions:
Developmental and epileptic encephalopathy, 8 (DEE8). Also called: HYPEREKPLEXIA AND EPILEPSY. Identifiers: Orphanet 163985, Orphanet 2076, MedGen C1845102, MONDO:0010375, OMIM 300607.

Submission:

Labcorp Genetics (formerly Invitae), Labcorp
Classification: Uncertain significance for Developmental and epileptic encephalopathy, 8. Last evaluated: 2023-09-11. Review status: criteria provided, single submitter. Criteria: Invitae Variant Classification Sherloc (09022015). Collection method: clinical testing. Allele origin: germline.
Comment: In summary, the available evidence is currently insufficient to determine the role of this variant in disease. Therefore, it has been classified as a Variant of Uncertain Significance. Advanced modeling of protein sequence and biophysical properties (such as structural, functional, and spatial information, amino acid conservation, physicochemical variation, residue mobility, and thermodynamic stability) has been performed at Invitae for this missense variant, however the output from this modeling did not meet the statistical confidence thresholds required to predict the impact of this variant on ARHGEF9 protein function. This variant is not present in population databases (gnomAD no frequency). This sequence change replaces asparagine, which is neutral and polar, with lysine, which is basic and polar, at codon 396 of the ARHGEF9 protein (p.Asn396Lys). This variant has not been reported in the literature in individuals affected with ARHGEF9-related conditions.

NM_001353921.2(ARHGEF9):c.1209C>G (p.Asn403Lys)

Gene: ARHGEF9 (Cdc42 guanine nucleotide exchange factor 9; minus strand). Cytogenetic location: Xq11.1.
Variant type: single nucleotide variant.
Coding change: c.1209C>G on transcript NM_001353921.2 (MANE Select); coding-DNA position 1209, C replaced by G.
Protein change: p.Asn403Lys; replaces asparagine 403 with lysine.
Molecular consequence: missense variant. On other transcripts: intron variant (2).
Genome position (GRCh38, 1-based): chrX:63,655,606, G>C on the plus strand (C>G on the coding strand, the complement: ARHGEF9 is on the minus strand). VCF-style: chrX-63655606-G-C. GRCh37 (hg19) VCF-style: chrX-62875486-G-C.
Other names: c.1227C>G, p.Asn409Lys (NM_001353923.1); c.1077C>G, p.Asn359Lys (NM_001353922.2); c.1008C>G, p.Asn336Lys (NM_001353924.2, NM_001353926.2, NM_001369039.1 and 1 more transcripts); c.993C>G, p.Asn331Lys (NM_001353927.2, NM_001369041.1); c.1056C>G, p.Asn352Lys (NM_001353928.2); c.1188C>G, p.Asn396Lys (NM_001369030.1, NM_001369031.1, NM_001369032.1 and 1 more transcripts); c.1125C>G, p.Asn375Lys (NM_001369033.1, NM_001369034.1, NM_001369035.1 and 4 more transcripts); c.882C>G, p.Asn294Lys (NM_001369042.1, NM_001173480.2); and 3 more; short protein forms N343K, N352K, N403K, N331K, N359K, N375K, N409K, N214K.
Identifiers: ClinVar variation 2760161 (VCV002760161.3), dbSNP rs2519616928, ClinGen allele CA413404433.